The following is an entry in ClinVar:

ClinVar aggregate classification (germline): Conflicting classifications of pathogenicity. Review status: criteria provided, conflicting classifications (1 of 4 stars). 4 submissions from 4 submitters: Uncertain significance (3); Likely benign (1). Last evaluated 2025-08-10.

Conditions:
Inborn genetic diseases. Identifiers: MedGen C0950123, MeSH D030342.
Polycystic kidney disease 4 (PKD4). Also called: POLYCYSTIC KIDNEY DISEASE 4 WITH OR WITHOUT POLYCYSTIC LIVER DISEASE; PKD3; Autosomal Recessive Polycystic Kidney Disease – PKHD1; POLYCYSTIC KIDNEY AND HEPATIC DISEASE 1; POLYCYSTIC KIDNEY DISEASE, INFANTILE, TYPE I. Identifiers: MedGen C4540575, MONDO:0033004, OMIM 263200.

Allele frequency attached by ClinVar (database versions not stated): ExAC 0.00002; gnomAD exomes 0.00002; TOPMed 0.00007; ESP Exome Variant Server 0.00008; gnomAD 0.00008 and 0.00009.
gnomAD v4.1: 93 of 1,613,968 alleles (0.0058%); highest among the groups gnomAD compares: African/African-American, 0.015%; 1 homozygote.

Submissions (4):

GeneDx
Classification: Uncertain significance. Last evaluated: 2025-08-10. Review status: criteria provided, single submitter. Criteria: GeneDx Variant Classification Process June 2021. Collection method: clinical testing. Allele origin: germline. Affected: yes.
Comment: In silico analysis suggests that this missense variant does not alter protein structure/function; Has not been previously published as pathogenic or benign to our knowledge

Ambry Genetics
Classification: Likely benign for Inborn genetic diseases. Last evaluated: 2023-09-22. Review status: criteria provided, single submitter. Criteria: Ambry Variant Classification Scheme 2023. Collection method: clinical testing. Allele origin: germline.

Fulgent Genetics
Classification: Uncertain significance for Polycystic kidney disease 4. Last evaluated: 2022-03-15. Review status: criteria provided, single submitter. Criteria: ACMG Guidelines, 2015. Collection method: clinical testing. Allele origin: unknown.

Eurofins Ntd Llc (ga)
Classification: Uncertain significance. Last evaluated: 2018-03-16. Review status: criteria provided, single submitter. Criteria: EGL ClinVar v180209 classification definitions. Collection method: clinical testing. Allele origin: germline. Observed: 2 variant alleles, 2 heterozygotes.

NM_138694.4(PKHD1):c.5324G>A (p.Arg1775Gln)

Gene: PKHD1 (PKHD1 ciliary IPT domain containing fibrocystin/polyductin; minus strand). Cytogenetic location: 6p12.2.
Variant type: single nucleotide variant.
Coding change: c.5324G>A on transcript NM_138694.4 (MANE Select); coding-DNA position 5324, G replaced by A.
Protein change: p.Arg1775Gln; replaces arginine 1775 with glutamine.
Molecular consequence: missense variant.
Genome position (GRCh38, 1-based): chr6:52,022,857, C>T on the plus strand (G>A on the coding strand, the complement: PKHD1 is on the minus strand). VCF-style: chr6-52022857-C-T. GRCh37 (hg19) VCF-style: chr6-51887655-C-T.
Other names: c.5324G>A, p.Arg1775Gln (NM_170724.3); c.5324G>A (NM_138694.3); short protein forms R1775Q.
Identifiers: ClinVar variation 290385 (VCV000290385.8), dbSNP rs370557603, ClinGen allele CA3852543.